The following is an entry in ClinVar:

NM_001164508.2(NEB):c.153_167del (p.52LAQPA[1])

Gene: NEB (nebulin; minus strand). Cytogenetic location: 2q23.3.
Variant type: Deletion.
Coding change: c.153_167del on transcript NM_001164508.2 (MANE Select); coding-DNA positions 153 to 167, 15 bases deleted (TCTGGCACAGCCAGC).
Protein change: p.52LAQPA[1].
Molecular consequence: inframe deletion.
Genome position (GRCh38, 1-based): chr2:151,727,818-151,727,832, GCTGGCTGTGCCAGA deleted on the plus strand (TCTGGCACAGCCAGC on the coding strand, the reverse complement: NEB is on the minus strand); deleting any 15 consecutive bases within chr2:151,727,818-151,727,837 gives the same sequence; the c. name uses the placement nearest the transcript's 3' end. VCF-style (leftmost placement, unchanged base first): chr2-151727817-TGCTGGCTGTGCCAGA-T. GRCh37 (hg19) VCF-style: chr2-152584331-TGCTGGCTGTGCCAGA-T.
Other names: c.153_167del (NM_001271208.1); c.153_167del, p.52LAQPA[1] (NM_001164507.2, NM_001271208.2, NM_004543.5).
Identifiers: ClinVar variation 552026 (VCV000552026.37), dbSNP rs757726895, ClinGen allele CA1911984.

ClinVar aggregate classification (germline): Uncertain significance. Review status: criteria provided, multiple submitters, no conflicts (2 of 4 stars). 4 submissions from 4 submitters: Uncertain significance (2). 2 of the submissions do not count toward it. Last evaluated 2022-10-01.

Conditions:
Nemaline myopathy 2 (NEM2). Also called: Nemaline myopathy 2, autosomal recessive. Identifiers: MedGen C1850569, MONDO:0009725, OMIM 256030.

Submissions (4):

CeGaT Center for Human Genetics Tuebingen
Classification: Uncertain significance. Last evaluated: 2022-10-01. Review status: criteria provided, single submitter. Criteria: CeGaT Center For Human Genetics Tuebingen Variant Classification Criteria Version 2. Collection method: clinical testing. Allele origin: germline. Affected: yes. Observed: 1 variant allele.

Labcorp Genetics (formerly Invitae), Labcorp
Classification: Uncertain significance for Nemaline myopathy 2. Last evaluated: 2022-06-20. Review status: criteria provided, single submitter. Criteria: Invitae Variant Classification Sherloc (09022015). Collection method: clinical testing. Allele origin: germline.
Comment: This variant, c.153_167del, results in the deletion of 5 amino acid(s) of the NEB protein (p.Leu57_Ala61del), but otherwise preserves the integrity of the reading frame. This variant is present in population databases (rs771805218, gnomAD 0.07%). This variant has not been reported in the literature in individuals affected with NEB-related conditions. ClinVar contains an entry for this variant (Variation ID: 552026). Experimental studies and prediction algorithms are not available or were not evaluated, and the functional significance of this variant is currently unknown. In summary, the available evidence is currently insufficient to determine the role of this variant in disease. Therefore, it has been classified as a Variant of Uncertain Significance.

Natera, Inc.
Classification: Uncertain significance for Nemaline myopathy type 2. Last evaluated: 2019-11-11. Review status: no assertion criteria provided. Collection method: clinical testing. Allele origin: germline. Not counted in ClinVar's aggregate classification.

Counsyl
Classification: Uncertain significance for Nemaline myopathy 2. Last evaluated: 2017-05-19. Review status: no assertion criteria provided. Collection method: clinical testing. Allele origin: unknown. Not counted in ClinVar's aggregate classification.